The following is an entry in ClinVar:

NM_005560.6(LAMA5):c.6578G>A (p.Arg2193His)

Gene: LAMA5 (laminin subunit alpha 5; minus strand). Cytogenetic location: 20q13.33.
Variant type: single nucleotide variant.
Coding change: c.6578G>A on transcript NM_005560.6 (MANE Select); coding-DNA position 6578, G replaced by A.
Protein change: p.Arg2193His; replaces arginine 2193 with histidine.
Molecular consequence: missense variant.
Genome position (GRCh38, 1-based): chr20:62,320,809, C>T on the plus strand (G>A on the coding strand, the complement: LAMA5 is on the minus strand). VCF-style: chr20-62320809-C-T. GRCh37 (hg19) VCF-style: chr20-60895865-C-T.
Other names: short protein forms R2193H.
Identifiers: ClinVar variation 1474790 (VCV001474790.4), dbSNP rs139401504, ClinGen allele CA9941663.

ClinVar aggregate classification (germline): Conflicting classifications of pathogenicity. Review status: criteria provided, conflicting classifications (1 of 4 stars). 2 submissions from 2 submitters: Uncertain significance (1); Likely benign (1). Last evaluated 2024-10-17.

Allele frequency attached by ClinVar (database versions not stated): 1000 Genomes Project 30x 0.00016; 1000 Genomes Project 0.00020; gnomAD 0.00062 and 0.00063; ESP Exome Variant Server 0.00070; TOPMed 0.00075; gnomAD exomes 0.00078.
gnomAD v4.1: 1,802 of 1,612,656 alleles (0.11%); highest among the groups gnomAD compares: Non-Finnish European, 0.14%; no homozygotes.

Submissions (2):

Blueprint Genetics
Classification: Likely benign. Last evaluated: 2024-10-17. Review status: criteria provided, single submitter. Criteria: ACMG Guidelines, 2015. Collection method: clinical testing. Allele origin: germline.

Labcorp Genetics (formerly Invitae), Labcorp
Classification: Uncertain significance. Last evaluated: 2022-06-22. Review status: criteria provided, single submitter. Criteria: Invitae Variant Classification Sherloc (09022015). Collection method: clinical testing. Allele origin: germline.
Comment: This sequence change replaces arginine, which is basic and polar, with histidine, which is basic and polar, at codon 2193 of the LAMA5 protein (p.Arg2193His). This variant is present in population databases (rs139401504, gnomAD 0.1%), and has an allele count higher than expected for a pathogenic variant. This variant has not been reported in the literature in individuals affected with LAMA5-related conditions. Algorithms developed to predict the effect of missense changes on protein structure and function output the following: SIFT: "Tolerated"; PolyPhen-2: "Benign"; Align-GVGD: "Class C0". The histidine amino acid residue is found in multiple mammalian species, which suggests that this missense change does not adversely affect protein function. In summary, the available evidence is currently insufficient to determine the role of this variant in disease. Therefore, it has been classified as a Variant of Uncertain Significance.